The following is an entry in ClinVar:

NM_007294.4(BRCA1):c.4096+2T>C

Genes: BRCA1 (BRCA1 DNA repair associated; minus strand), LOC126862571 (BRD4-independent group 4 enhancer GRCh37_chr17:41243136-41244335; plus strand). Cytogenetic location: 17q21.31.
Variant type: single nucleotide variant.
Coding change: c.4096+2T>C on transcript NM_007294.4 (MANE Select); the canonical splice donor site of the intron after coding-DNA position 4096, T replaced by C.
Molecular consequence: splice donor variant. On other transcripts: intron variant (135).
Genome position (GRCh38, 1-based): chr17:43,091,433, A>G on the plus strand (T>C on the coding strand, the complement: BRCA1 is on the minus strand). VCF-style: chr17-43091433-A-G. GRCh37 (hg19) VCF-style: chr17-41243450-A-G.
Other names: c.4096+2T>C (NM_007294.3, NM_001407618.1, NM_001407603.1 and 31 more transcripts); c.647-401T>C (NM_001408458.1, NM_001408469.1, NM_001408453.1 and 11 more transcripts); c.3208+2T>C (NM_001407967.1, NM_001407966.1); c.3715+2T>C (NM_001407959.1, NM_001407963.1, NM_001407960.1); c.3829+2T>C (NM_001407931.1, NM_001407932.1, NM_001407934.1 and 2 more transcripts); c.3952+2T>C (NM_001407747.1, NM_001407848.1, NM_001407839.1 and 20 more transcripts); c.3712+2T>C (NM_001407962.1); c.284-401T>C (NM_001408512.1); and 41 more.
Identifiers: ClinVar variation 1425636 (VCV001425636.11), dbSNP rs1567788925, ClinGen allele CA10593760.
Genomic context (GRCh38, chr17:43,091,433, plus strand): 5'-ATAAACATTTAGCTCACTTCTATAAATAGACTGGGGCAAACACAAAAACCTGGTTCCAAT[A>G]CCTAAGTTTGAATCCATGCTTTGCTCTTCTTGATTATTTTCTTCCAAGCCCGTTCCTCTT-3'

ClinVar aggregate classification (germline): Conflicting classifications of pathogenicity. Review status: criteria provided, conflicting classifications (1 of 4 stars). 4 submissions from 4 submitters: Likely pathogenic (1); Uncertain significance (3). Last evaluated 2024-12-30.

Conditions:
Hereditary breast ovarian cancer syndrome. Also called: Hereditary breast and ovarian cancer syndrome (HBOC); Hereditary breast and ovarian cancer; Breast and ovarian cancer; BRCA1- and BRCA2-Associated Hereditary Breast and Ovarian Cancer; Hereditary breast and ovarian cancer syndrome; Hereditary breast and/or ovarian cancer syndrome. Identifiers: Orphanet 145, MedGen C0677776, MeSH D061325, MONDO:0003582. Disease mechanism: loss of function.
BRCA1-related disorder. Also called: BRCA1-related condition.
Hereditary cancer-predisposing syndrome. Also called: Tumor predisposition; Hereditary neoplastic syndrome; Neoplastic Syndromes, Hereditary; Hereditary Cancer Syndrome. Identifiers: Orphanet 140162, MedGen C0027672, MeSH D009386, MONDO:0015356.

Submissions (4):

Labcorp Genetics (formerly Invitae), Labcorp
Classification: Uncertain significance for Hereditary breast ovarian cancer syndrome. Last evaluated: 2024-12-30. Review status: criteria provided, single submitter. Criteria: Invitae Variant Classification Sherloc (09022015). Collection method: clinical testing. Allele origin: germline.
Comment: This sequence change affects a donor splice site in intron 10 of the BRCA1 gene. It is expected to disrupt RNA splicing. This variant is not present in population databases (gnomAD no frequency). Disruption of this splice site has been observed in individual(s) with BRCA1-related conditions (PMID: 17011978, 21156238, 27328445, 29116469, 29433453, 29446198, 30720863). ClinVar contains an entry for this variant (Variation ID: 1425636). Experimental studies have shown that disruption of this splice site alters splicing of exon 10 (also referred to as exon 11 in the literature), resulting in loss of the full-length transcript, and increased expression of a shorter in-frame transcript that lacks a large portion of exon 10 (referred to as del11q) (PMID: 17011978). This alternative in-frame transcript has been reported to occur naturally in healthy individuals (PMID: 24569164), and functional studies suggest that protein made from this transcript may retain residual function (PMID: 8972225, 11359908, 11431698, 16943438). The clinical significance of these findings is uncertain. In summary, the available evidence is currently insufficient to determine the role of this variant in disease. Therefore, it has been classified as a Variant of Uncertain Significance.

GeneDx
Classification: Uncertain significance. Last evaluated: 2023-03-07. Review status: criteria provided, single submitter. Criteria: GeneDx Variant Classification Process June 2021. Collection method: clinical testing. Allele origin: germline. Affected: yes.
Comment: Canonical splice site variant predicted to result in aberrant splicing, leading to the in-frame skipping of exon 11 (delta 11); Not observed at significant frequency in large population cohorts (gnomAD); Observed in an individual with breast cancer (Deng et al., 2019); Also known as 4215+2T>C; This variant is associated with the following publications: (PMID: 30720863, 24569164, 32467295, 27328445, 29433453, 16943438, 11431698, 29446198, 21156238, 29116469, 8972225, 11359908)

Ambry Genetics
Classification: Uncertain significance for Hereditary cancer-predisposing syndrome. Last evaluated: 2021-12-21. Review status: criteria provided, single submitter. Criteria: Ambry Variant Classification Scheme 2023. Collection method: clinical testing. Allele origin: germline.
Comment: The c.4096+2T>C intronic variant results from a T to C substitution two nucleotides after coding exon 9 in the BRCA1 gene. This alteration was detected in 1/2769 Chinese breast cancer patients (Deng M et al. Int J Cancer, 2019 09;145:1517-1528) and was also observed in a study of BRCA1/2 screening in Chinese individuals undergoing routine health examinations (Dong H et al. J Med Genet, 2021 08;58:565-569). This nucleotide position is highly conserved in available vertebrate species. Alterations that disrupt the canonical splice site are expected to result in aberrant splicing. In silico splice site analysis predicts that this alteration will weaken the native splice donor site. The resulting transcript is predicted to be in-frame and is not expected to trigger nonsense-mediated mRNA decay. However, this exon, which comprises over 50% of the BRCA1 protein, is absent in part or in whole in naturally occurring alternative isoforms, and functional studies of these isoforms are uncertain with respect to clinically relevant disease (Colombo M et al. Hum. Mol. Genet., 2014 Jul;23:3666-80; Thakur S et al. Mol. Cell. Biol., 1997 Jan;17:444-52; Magdinier F et al. Oncogene, 1999 Jul;18:4039-43; Wilson CA et al. Oncogene, 1997 Jan;14:1-16; Huber LJ et al. Mol. Cell. Biol., 2001 Jun;21:4005-15). Additionally, +2T>C alterations are capable of generating wild-type transcripts in some genomic contexts and should be interpreted with caution (Lin JH et al. Hum Mutat. 2019 10;40:1856-1873). Since supporting evidence is limited at this time, the clinical significance of this alteration remains unclear.

Blueprint Genetics
Classification: Likely pathogenic for BRCA1-related disorders. Last evaluated: 2019-07-29. Review status: criteria provided, single submitter. Criteria: ACMG Guidelines, 2015. Collection method: clinical testing. Allele origin: germline. Affected: yes. Observed: 1 variant allele.

Literature cited by the submitters: PubMed 17011978 (cited by Labcorp Genetics (formerly Invitae), Labcorp); PubMed 21156238 (cited by Labcorp Genetics (formerly Invitae), Labcorp); PubMed 27328445 (cited by Labcorp Genetics (formerly Invitae), Labcorp); PubMed 29116469 (cited by Labcorp Genetics (formerly Invitae), Labcorp); PubMed 29433453 (cited by Labcorp Genetics (formerly Invitae), Labcorp); PubMed 29446198 (cited by Labcorp Genetics (formerly Invitae), Labcorp); PubMed 30720863 (cited by Labcorp Genetics (formerly Invitae), Labcorp and Ambry Genetics); PubMed 24569164 (cited by Labcorp Genetics (formerly Invitae), Labcorp); PubMed 8972225 (cited by Labcorp Genetics (formerly Invitae), Labcorp); PubMed 11359908 (cited by Labcorp Genetics (formerly Invitae), Labcorp); PubMed 11431698 (cited by Labcorp Genetics (formerly Invitae), Labcorp); PubMed 16943438 (cited by Labcorp Genetics (formerly Invitae), Labcorp); PubMed 32467295 (cited by Ambry Genetics).